The following is an entry in ClinVar:

ClinVar aggregate classification (germline): Uncertain significance. Review status: criteria provided, multiple submitters, no conflicts (2 of 4 stars). 2 submissions from 2 submitters: Uncertain significance (2). Last evaluated 2025-01-19.

Conditions:
Hereditary cancer-predisposing syndrome. Also called: Neoplastic Syndromes, Hereditary; Hereditary Cancer Syndrome; Hereditary neoplastic syndrome; Tumor predisposition. Identifiers: Orphanet 140162, MedGen C0027672, MeSH D009386, MONDO:0015356.
Cardiovascular phenotype. Identifiers: MedGen CN230736.
Neurofibromatosis, type 1 (NF1). Also called: NEUROFIBROMATOSIS, TYPE I, SOMATIC; VON RECKLINGHAUSEN DISEASE; Neurofibromatosis, type I; Peripheral type neurofibromatosis. Identifiers: Orphanet 636, MedGen C0027831, MONDO:0018975, OMIM 162200. Disease mechanism: loss of function.

Submissions (2):

Labcorp Genetics (formerly Invitae), Labcorp
Classification: Uncertain significance for Neurofibromatosis, type 1. Last evaluated: 2025-01-19. Review status: criteria provided, single submitter. Criteria: Invitae Variant Classification Sherloc (09022015). Collection method: clinical testing. Allele origin: germline.
Comment: This sequence change replaces cysteine, which is neutral and slightly polar, with tyrosine, which is neutral and polar, at codon 1861 of the NF1 protein (p.Cys1861Tyr). This variant is not present in population databases (gnomAD no frequency). This variant has not been reported in the literature in individuals affected with NF1-related conditions. ClinVar contains an entry for this variant (Variation ID: 643136). Invitae Evidence Modeling of protein sequence and biophysical properties (such as structural, functional, and spatial information, amino acid conservation, physicochemical variation, residue mobility, and thermodynamic stability) has been performed for this missense variant. However, the output from this modeling did not meet the statistical confidence thresholds required to predict the impact of this variant on NF1 protein function. In summary, the available evidence is currently insufficient to determine the role of this variant in disease. Therefore, it has been classified as a Variant of Uncertain Significance.

Ambry Genetics
Classification: Uncertain significance for Cardiovascular phenotype; Hereditary cancer-predisposing syndrome. Last evaluated: 2021-02-11. Review status: criteria provided, single submitter. Criteria: Ambry Variant Classification Scheme 2023. Collection method: clinical testing. Allele origin: germline.
Comment: The p.C1861Y variant (also known as c.5582G>A), located in coding exon 38 of the NF1 gene, results from a G to A substitution at nucleotide position 5582. The cysteine at codon 1861 is replaced by tyrosine, an amino acid with highly dissimilar properties. This amino acid position is highly conserved in available vertebrate species. In addition, the in silico prediction for this alteration is inconclusive. Since supporting evidence is limited at this time, the clinical significance of this alteration remains unclear.

NM_001042492.3(NF1):c.5645G>A (p.Cys1882Tyr)

Gene: NF1 (neurofibromin 1; plus strand). Cytogenetic location: 17q11.2.
Variant type: single nucleotide variant.
Coding change: c.5645G>A on transcript NM_001042492.3 (MANE Select); coding-DNA position 5645, G replaced by A.
Protein change: p.Cys1882Tyr; replaces cysteine 1882 with tyrosine.
Molecular consequence: missense variant.
Genome position (GRCh38, 1-based): chr17:31,330,331, G>A. VCF-style: chr17-31330331-G-A. GRCh37 (hg19) VCF-style: chr17-29657349-G-A.
Other names: c.5582G>A, p.Cys1861Tyr (NM_000267.4); short protein forms C1861Y, C1882Y.
Identifiers: ClinVar variation 643136 (VCV000643136.8), dbSNP rs1597834656, ClinGen allele CA399010162.